The following is an entry in ClinVar:

NM_014915.3(ANKRD26):c.1625A>G (p.Asn542Ser)

Gene: ANKRD26 (ankyrin repeat domain containing 26; minus strand). Cytogenetic location: 10p12.1.
Variant type: single nucleotide variant.
Coding change: c.1625A>G on transcript NM_014915.3 (MANE Select); coding-DNA position 1625, A replaced by G.
Protein change: p.Asn542Ser; replaces asparagine 542 with serine.
Molecular consequence: missense variant.
Genome position (GRCh38, 1-based): chr10:27,053,330, T>C on the plus strand (A>G on the coding strand, the complement: ANKRD26 is on the minus strand). VCF-style: chr10-27053330-T-C. GRCh37 (hg19) VCF-style: chr10-27342259-T-C.
Other names: c.1625A>G, p.Asn542Ser (NM_001256053.2); short protein forms N542S.
Identifiers: ClinVar variation 3868680 (VCV003868680.1).
Genomic context (GRCh38, chr10:27,053,330, plus strand): 5'-AAAGCAAAGAAAACAATATTAAACCAGAAATTTTTAAAAATATATAATACCTGTGGCTGG[T>C]TATTTTCACTCCCTTCCCTTTCTTGCTCTTCTTCTGATGCTACTTCTAAGTCATGTTCAG-3'
Protein context (NP_055730.2, residues 532-552): EEQEREGSEN[Asn542Ser]QPQVEEERKK

ClinVar aggregate classification (germline): Uncertain significance (1 of 4 stars; one submission).

Conditions:
Inborn genetic diseases. Identifiers: MedGen C0950123, MeSH D030342.

Submission:

Ambry Genetics
Classification: Uncertain significance for Inborn genetic diseases. Last evaluated: 2024-12-12. Review status: criteria provided, single submitter. Criteria: Ambry Variant Classification Scheme 2023. Collection method: clinical testing. Allele origin: germline.
Comment: The p.N542S variant (also known as c.1625A>G), located in coding exon 16 of the ANKRD26 gene, results from an A to G substitution at nucleotide position 1625. The asparagine at codon 542 is replaced by serine, an amino acid with highly similar properties. This amino acid position is conserved. In addition, this alteration is predicted to be tolerated by in silico analysis. Based on the available evidence, the clinical significance of this variant remains unclear.